The following is an entry in ClinVar:

ClinVar aggregate classification (germline): Uncertain significance (1 of 4 stars; one submission).

Submission:

GeneDx
Classification: Uncertain significance. Last evaluated: 2022-02-08. Review status: criteria provided, single submitter. Criteria: GeneDx Variant Classification Process June 2021. Collection method: clinical testing. Allele origin: germline. Affected: yes.
Comment: Not observed at significant frequency in large population cohorts (gnomAD); In silico analysis supports that this missense variant has a deleterious effect on protein structure/function; Has not been previously published as pathogenic or benign to our knowledge

NM_002742.3(PRKD1):c.1213C>G (p.Pro405Ala)

Gene: PRKD1 (protein kinase D1; minus strand). Cytogenetic location: 14q12.
Variant type: single nucleotide variant.
Coding change: c.1213C>G on transcript NM_002742.3 (MANE Select); coding-DNA position 1213, C replaced by G.
Protein change: p.Pro405Ala; replaces proline 405 with alanine.
Molecular consequence: missense variant.
Genome position (GRCh38, 1-based): chr14:29,634,519, G>C on the plus strand (C>G on the coding strand, the complement: PRKD1 is on the minus strand). VCF-style: chr14-29634519-G-C. GRCh37 (hg19) VCF-style: chr14-30103725-G-C.
Other names: c.1237C>G, p.Pro413Ala (NM_001330069.2); c.949C>G, p.Pro317Ala (NM_001348390.1); short protein forms P317A, P405A, P413A.
Identifiers: ClinVar variation 1700921 (VCV001700921.2), dbSNP rs2139123640, ClinGen allele CA389336051.